The following is an entry in ClinVar:

ClinVar aggregate classification (germline): Uncertain significance (1 of 4 stars; one submission).

Submission:

Mayo Clinic Laboratories, Mayo Clinic
Classification: Uncertain significance. Last evaluated: 2025-05-15. Review status: criteria provided, single submitter. Criteria: ACMG Guidelines, 2015. Collection method: clinical testing. Allele origin: germline. Observed: 1 variant allele.
Comment: BP4_moderate, PM2_supporting

NM_000041.4(APOE):c.238G>A (p.Ala80Thr)

Gene: APOE (apolipoprotein E; plus strand). Cytogenetic location: 19q13.32.
Variant type: single nucleotide variant.
Coding change: c.238G>A on transcript NM_000041.4 (MANE Select); coding-DNA position 238, G replaced by A.
Protein change: p.Ala80Thr; replaces alanine 80 with threonine.
Molecular consequence: missense variant.
Genome position (GRCh38, 1-based): chr19:44,908,534, G>A. VCF-style: chr19-44908534-G-A. GRCh37 (hg19) VCF-style: chr19-45411791-G-A.
Other names: p.Ala80Thr; c.316G>A, p.Ala106Thr (NM_001302688.2); c.238G>A, p.Ala80Thr (NM_001302689.2, NM_001302690.2, NM_001302691.2); short protein forms A106T, A80T.
Identifiers: ClinVar variation 4542352 (VCV004542352.1).
Genomic context (GRCh38, chr19:44,908,534, plus strand): 5'-ATCCCAGCCCTTCTCCCCGCCTCCCACTGTGCGACACCCTCCCGCCCTCTCGGCCGCAGG[G>A]CGCTGATGGACGAGACCATGAAGGAGTTGAAGGCCTACAAATCGGAACTGGAGGAACAAC-3'
Protein context (NP_000032.1, residues 70-90): LSSQVTQELR[Ala80Thr]LMDETMKELK